The following is an entry in ClinVar:

NM_005422.4(TECTA):c.4994G>A (p.Cys1665Tyr)

Genes: TBCEL-TECTA (TBCEL-TECTA readthrough; plus strand), TECTA (tectorin alpha; plus strand). Cytogenetic location: 11q23.3.
Variant type: single nucleotide variant.
Coding change: c.4994G>A on transcript NM_005422.4 (MANE Select); coding-DNA position 4994, G replaced by A.
Protein change: p.Cys1665Tyr; replaces cysteine 1665 with tyrosine.
Molecular consequence: missense variant.
Genome position (GRCh38, 1-based): chr11:121,162,092, G>A. VCF-style: chr11-121162092-G-A. GRCh37 (hg19) VCF-style: chr11-121032801-G-A.
Other names: c.5936G>A, p.Cys1979Tyr (NM_001378761.1); short protein forms C1665Y, C1979Y.
Identifiers: ClinVar variation 1498477 (VCV001498477.8), dbSNP rs2135125377, ClinGen allele CA383031236.

ClinVar aggregate classification (germline): Uncertain significance (1 of 4 stars; one submission).

Submission:

Labcorp Genetics (formerly Invitae), Labcorp
Classification: Uncertain significance. Last evaluated: 2022-06-20. Review status: criteria provided, single submitter. Criteria: Invitae Variant Classification Sherloc (09022015). Collection method: clinical testing. Allele origin: germline.
Comment: This sequence change replaces cysteine, which is neutral and slightly polar, with tyrosine, which is neutral and polar, at codon 1665 of the TECTA protein (p.Cys1665Tyr). In summary, the available evidence is currently insufficient to determine the role of this variant in disease. Therefore, it has been classified as a Variant of Uncertain Significance. Algorithms developed to predict the effect of missense changes on protein structure and function are either unavailable or do not agree on the potential impact of this missense change (SIFT: "Deleterious"; PolyPhen-2: "Probably Damaging"; Align-GVGD: "Class C0"). This variant has not been reported in the literature in individuals affected with TECTA-related conditions. This variant is not present in population databases (gnomAD no frequency).